The following is an entry in ClinVar:

ClinVar aggregate classification (germline): Uncertain significance (1 of 4 stars; one submission).

gnomAD v4.1: 1 of 1,613,996 alleles (0.000062%); no homozygotes.

Submission:

CeGaT Center for Human Genetics Tuebingen
Classification: Uncertain significance. Last evaluated: 2024-04-01. Review status: criteria provided, single submitter. Criteria: CeGaT Center For Human Genetics Tuebingen Variant Classification Criteria Version 2. Collection method: clinical testing. Allele origin: germline. Affected: yes. Observed: 1 variant allele.
Comment: SYT2: PM2

NM_177402.5(SYT2):c.373A>C (p.Thr125Pro)

Gene: SYT2 (synaptotagmin 2; minus strand). Cytogenetic location: 1q32.1.
Variant type: single nucleotide variant.
Coding change: c.373A>C on transcript NM_177402.5 (MANE Select); coding-DNA position 373, A replaced by C.
Protein change: p.Thr125Pro; replaces threonine 125 with proline.
Molecular consequence: missense variant.
Genome position (GRCh38, 1-based): chr1:202,603,091, T>G on the plus strand (A>C on the coding strand, the complement: SYT2 is on the minus strand). VCF-style: chr1-202603091-T-G. GRCh37 (hg19) VCF-style: chr1-202572219-T-G.
Other names: c.373A>C, p.Thr125Pro (NM_001136504.1); short protein forms T125P.
Identifiers: ClinVar variation 3234484 (VCV003234484.20), dbSNP rs2526979251, ClinGen allele CA344258892.